The following is an entry in ClinVar:

NM_001162501.2(TNRC6B):c.5112C>A (p.His1704Gln)

Gene: TNRC6B (trinucleotide repeat containing adaptor 6B; plus strand). Cytogenetic location: 22q13.1.
Variant type: single nucleotide variant.
Coding change: c.5112C>A on transcript NM_001162501.2 (MANE Select); coding-DNA position 5112, C replaced by A.
Protein change: p.His1704Gln; replaces histidine 1704 with glutamine.
Molecular consequence: missense variant.
Genome position (GRCh38, 1-based): chr22:40,321,227, C>A. VCF-style: chr22-40321227-C-A. GRCh37 (hg19) VCF-style: chr22-40717231-C-A.
Other names: c.4782C>A, p.His1594Gln (NM_015088.3); c.2700C>A, p.His900Gln (NM_001024843.2); short protein forms H1594Q, H1704Q, H900Q.
Identifiers: ClinVar variation 5037620 (VCV005037620.1).

ClinVar aggregate classification (germline): Uncertain significance (1 of 4 stars; one submission).

Submission:

GeneDx
Classification: Uncertain significance. Last evaluated: 2026-04-24. Review status: criteria provided, single submitter. Criteria: GeneDx Variant Classification Process June 2021. Collection method: clinical testing. Allele origin: germline.
Comment: Not observed at significant frequency in large population cohorts (gnomAD); In silico analysis supports that this missense variant has a deleterious effect on protein structure/function; Has not been previously published as pathogenic or benign to our knowledge